The following is an entry in ClinVar:

NM_001048174.2(MUTYH):c.1462C>A (p.Pro488Thr)

Gene: MUTYH (mutY DNA glycosylase; minus strand). Cytogenetic location: 1p34.1.
Variant type: single nucleotide variant.
Coding change: c.1462C>A on transcript NM_001048174.2 (MANE Select); coding-DNA position 1462, C replaced by A.
Protein change: p.Pro488Thr; replaces proline 488 with threonine.
Molecular consequence: missense variant. On other transcripts: non-coding transcript variant (2).
Genome position (GRCh38, 1-based): chr1:45,329,410, G>T on the plus strand (C>A on the coding strand, the complement: MUTYH is on the minus strand). VCF-style: chr1-45329410-G-T. GRCh37 (hg19) VCF-style: chr1-45795082-G-T.
Other names: c.1462C>A, p.Pro488Thr (NM_001048171.2, NM_001048173.2, NM_001293195.2); c.1465C>A, p.Pro489Thr (NM_001048172.2); c.1546C>A, p.Pro516Thr (NM_001128425.2); c.1507C>A, p.Pro503Thr (NM_001293190.2); c.1495C>A, p.Pro499Thr (NM_001293191.2); c.1186C>A, p.Pro396Thr (NM_001293192.2, NM_001293196.2); c.1117C>A, p.Pro373Thr (NM_001350650.2, NM_001350651.2); c.1537C>A, p.Pro513Thr (NM_012222.3); short protein forms P516T, P489T, P488T, P499T, P503T, P373T, P396T, P513T.
Identifiers: ClinVar variation 492022 (VCV000492022.9), dbSNP rs1553123034, ClinGen allele CA340131863.

ClinVar aggregate classification (germline): Conflicting classifications of pathogenicity. Review status: criteria provided, conflicting classifications (1 of 4 stars). 3 submissions from 3 submitters: Uncertain significance (2); Benign (1). Last evaluated 2025-09-09.

Conditions:
Hereditary cancer-predisposing syndrome. Also called: Hereditary neoplastic syndrome; Hereditary Cancer Syndrome; Neoplastic Syndromes, Hereditary; Tumor predisposition. Identifiers: Orphanet 140162, MedGen C0027672, MeSH D009386, MONDO:0015356.
Familial adenomatous polyposis 2. Also called: MYH-associated polyposis; COLORECTAL ADENOMATOUS POLYPOSIS, AUTOSOMAL RECESSIVE; ADENOMAS, MULTIPLE COLORECTAL, AUTOSOMAL RECESSIVE; MUTYH-related attenuated familial adenomatous polyposis; Adenomas, multiple colorectal; FAP type 2. Identifiers: Orphanet 220460, Orphanet 247798, MedGen C3272841, MONDO:0012041, OMIM 608456.

Allele frequency attached by ClinVar (database versions not stated): gnomAD 0.00001.
gnomAD v4.1: 1 of 1,614,026 alleles (0.000062%); highest among the groups gnomAD compares: Non-Finnish European, 0.000085%; no homozygotes.

Submissions (3):

Ambry Genetics
Classification: Benign for Hereditary cancer-predisposing syndrome. Last evaluated: 2025-09-09. Review status: criteria provided, single submitter. Criteria: Ambry Variant Classification Scheme 2023. Collection method: clinical testing. Allele origin: germline.

All of Us Research Program, National Institutes of Health
Classification: Uncertain significance for Familial adenomatous polyposis 2. Last evaluated: 2023-10-02. Review status: criteria provided, single submitter. Criteria: ACMG Guidelines, 2015. Collection method: clinical testing. Allele origin: germline. Inheritance: Autosomal recessive inheritance. Observed: 1 variant allele, 1 heterozygote.
Comment: This missense variant replaces proline with threonine at codon 516 of the MUTYH protein. Computational prediction suggests that this variant may not impact protein structure and function (internally defined REVEL score threshold <= 0.5, PMID: 27666373). To our knowledge, functional studies have not been reported for this variant. This variant has not been reported in individuals affected with MUTYH-related disorders in the literature. This variant has not been identified in the general population by the Genome Aggregation Database (gnomAD). The available evidence is insufficient to determine the role of this variant in disease conclusively. Therefore, this variant is classified as a Variant of Uncertain Significance.

This study involves interpretation of variants in research participants for the purpose of population health screening. Participant phenotype was not available at the time of variant classification. Additional details can be found in publication PMID: 35346344, PMCID: PMC8962531

Color Diagnostics, LLC DBA Color Health
Classification: Uncertain significance for Hereditary cancer-predisposing syndrome. Last evaluated: 2023-09-08. Review status: criteria provided, single submitter. Criteria: ACMG Guidelines, 2015. Collection method: clinical testing. Allele origin: germline.
Comment: This missense variant replaces proline with threonine at codon 516 of the MUTYH protein. Computational prediction suggests that this variant may not impact protein structure and function (internally defined REVEL score threshold <= 0.5, PMID: 27666373). To our knowledge, functional studies have not been reported for this variant. This variant has not been reported in individuals affected with MUTYH-related disorders in the literature. This variant has not been identified in the general population by the Genome Aggregation Database (gnomAD). The available evidence is insufficient to determine the role of this variant in disease conclusively. Therefore, this variant is classified as a Variant of Uncertain Significance.

Literature cited by the submitters: PubMed 30267214 (cited by Ambry Genetics).